The following is an entry in ClinVar:

NM_001453.3(FOXC1):c.1351_1352insCCG (p.Gly450_Gly451insAla)

Gene: FOXC1 (forkhead box C1; plus strand). Cytogenetic location: 6p25.3.
Variant type: Insertion.
Coding change: c.1351_1352insCCG on transcript NM_001453.3 (MANE Select); coding-DNA positions 1351 to 1352, CCG inserted.
Protein change: p.Gly450_Gly451insAla.
Molecular consequence: inframe insertion.
Genome position: GRCh38 VCF-style: chr6-1611794-G-GCGC. GRCh37 (hg19) VCF-style: chr6-1612029-G-GCGC.
Other names: c.1351_1352insCCG (NM_001453.2).
Identifiers: ClinVar variation 1468995 (VCV001468995.10), dbSNP rs1203559520, ClinGen allele CA565356221.

ClinVar aggregate classification (germline): Conflicting classifications of pathogenicity. Review status: criteria provided, conflicting classifications (1 of 4 stars). 5 submissions from 5 submitters: Uncertain significance (4); Likely benign (1). Last evaluated 2025-07-29.

Conditions:
Axenfeld-Rieger syndrome type 3 (RIEG3). Also called: AXENFELD-RIEGER ANOMALY WITH CARDIAC DEFECTS AND/OR SENSORINEURAL HEARING LOSS. Identifiers: Orphanet 782, MedGen C2678503, MONDO:0011233, OMIM 602482.
Anterior segment dysgenesis 3 (ASGD3). Also called: Glaucoma iridogoniodysplasia, familial; IRIDOGONIODYSGENESIS ANOMALY, AUTOSOMAL DOMINANT. Identifiers: Orphanet 91483, MedGen C5975707, MONDO:0024456, OMIM 601631.

Submissions (5):

Labcorp Genetics (formerly Invitae), Labcorp
Classification: Uncertain significance for Axenfeld-Rieger syndrome type 3. Last evaluated: 2025-07-29. Review status: criteria provided, single submitter. Criteria: Invitae Variant Classification Sherloc (09022015). Collection method: clinical testing. Allele origin: germline.
Comment: This variant, c.1351_1352insCCG, results in the insertion of 1 amino acid(s) of the FOXC1 protein (p.Gly450_Gly451insAla), but otherwise preserves the integrity of the reading frame. The frequency data for this variant in the population databases is considered unreliable, as metrics indicate poor data quality at this position in the gnomAD database. This variant has not been reported in the literature in individuals affected with FOXC1-related conditions. ClinVar contains an entry for this variant (Variation ID: 1468995). Experimental studies and prediction algorithms are not available or were not evaluated, and the functional significance of this variant is currently unknown. In summary, the available evidence is currently insufficient to determine the role of this variant in disease. Therefore, it has been classified as a Variant of Uncertain Significance.

Fulgent Genetics
Classification: Uncertain significance for Anterior segment dysgenesis 3; Axenfeld-Rieger syndrome type 3. Last evaluated: 2024-05-17. Review status: criteria provided, single submitter. Criteria: ACMG Guidelines, 2015. Collection method: clinical testing. Allele origin: germline.

GeneDx
Classification: Uncertain significance. Last evaluated: 2024-05-15. Review status: criteria provided, single submitter. Criteria: GeneDx Variant Classification Process June 2021. Collection method: clinical testing. Allele origin: germline. Affected: yes.
Comment: In-frame insertion of 1 amino acid in a non-repeat region; Has not been previously published as pathogenic or benign to our knowledge

Blueprint Genetics
Classification: Likely benign. Last evaluated: 2023-08-03. Review status: criteria provided, single submitter. Criteria: ACMG Guidelines, 2015. Collection method: clinical testing. Allele origin: germline.

Breakthrough Genomics
Classification: Uncertain significance. Review status: criteria provided, single submitter. Criteria: ACMG Guidelines, 2015. Collection method: not provided. Allele origin: germline. Inheritance: Autosomal dominant inheritance. Affected: yes.